The following is an entry in ClinVar:

NM_002778.4(PSAP):c.1309G>A (p.Glu437Lys)

Gene: PSAP (prosaposin; minus strand). Cytogenetic location: 10q22.1.
Variant type: single nucleotide variant.
Coding change: c.1309G>A on transcript NM_002778.4 (MANE Select); coding-DNA position 1309, G replaced by A.
Protein change: p.Glu437Lys; replaces glutamic acid 437 with lysine.
Molecular consequence: missense variant.
Genome position (GRCh38, 1-based): chr10:71,819,506, C>T on the plus strand (G>A on the coding strand, the complement: PSAP is on the minus strand). VCF-style: chr10-71819506-C-T. GRCh37 (hg19) VCF-style: chr10-73579263-C-T.
Other names: c.1318G>A, p.Glu440Lys (NM_001042465.3); c.1315G>A, p.Glu439Lys (NM_001042466.3); short protein forms E437K, E439K, E440K.
Identifiers: ClinVar variation 1463414 (VCV001463414.6), dbSNP rs1842249871, ClinGen allele CA377142623.

ClinVar aggregate classification (germline): Uncertain significance (1 of 4 stars; one submission).

Conditions:
Sphingolipid activator protein 1 deficiency. Also called: Saposin B Deficiency; METACHROMATIC LEUKODYSTROPHY DUE TO CEREBROSIDE SULFATASE ACTIVATOR DEFICIENCY; Metachromatic leukodystrophy due to saposin B deficiency. Identifiers: Orphanet 512, MedGen C0268262, MONDO:0009590, OMIM 249900.

Submission:

Labcorp Genetics (formerly Invitae), Labcorp
Classification: Uncertain significance for Sphingolipid activator protein 1 deficiency. Last evaluated: 2021-04-28. Review status: criteria provided, single submitter. Criteria: Invitae Variant Classification Sherloc (09022015). Collection method: clinical testing. Allele origin: germline.
Comment: This variant has not been reported in the literature in individuals with PSAP-related conditions. In summary, the available evidence is currently insufficient to determine the role of this variant in disease. Therefore, it has been classified as a Variant of Uncertain Significance. Algorithms developed to predict the effect of missense changes on protein structure and function are either unavailable or do not agree on the potential impact of this missense change (SIFT: "Not Available"; PolyPhen-2: "Benign"; Align-GVGD: "Not Available"). This variant is not present in population databases (ExAC no frequency). This sequence change replaces glutamic acid with lysine at codon 437 of the PSAP protein (p.Glu437Lys). The glutamic acid residue is moderately conserved and there is a small physicochemical difference between glutamic acid and lysine.